The following is an entry in ClinVar:

NM_000051.4(ATM):c.4676T>G (p.Ile1559Ser)

Gene: ATM (ATM serine/threonine kinase; plus strand). Cytogenetic location: 11q22.3.
Variant type: single nucleotide variant.
Coding change: c.4676T>G on transcript NM_000051.4 (MANE Select); coding-DNA position 4676, T replaced by G.
Protein change: p.Ile1559Ser; replaces isoleucine 1559 with serine.
Molecular consequence: missense variant.
Genome position (GRCh38, 1-based): chr11:108,293,377, T>G. VCF-style: chr11-108293377-T-G. GRCh37 (hg19) VCF-style: chr11-108164104-T-G.
Other names: c.4676T>G, p.Ile1559Ser (NM_001351834.2); short protein forms I1559S.
Identifiers: ClinVar variation 2820884 (VCV002820884.3), dbSNP rs2135811551, ClinGen allele CA382534723.
Genomic context (GRCh38, chr11:108,293,377, plus strand): 5'-TGGACTTGTTGAAATACTTAGTGATAGATAACAAGGATAATGAAAACCTCTATATCACGA[T>G]TAAGCTTTTAGATCCTTTTCCTGACCATGTTGTTTTTAAGGATTTGCGTATTACTCAGCA-3'
Protein context (NP_000042.3, residues 1549-1569): NKDNENLYIT[Ile1559Ser]KLLDPFPDHV

ClinVar aggregate classification (germline): Uncertain significance (1 of 4 stars; one submission).

Conditions:
Ataxia-telangiectasia syndrome (AT). Also called: ATAXIA-TELANGIECTASIA, COMPLEMENTATION GROUP A; Ataxia telangiectasia (A-T); Cerebello-oculocutaneous telangiectasia; Immunodeficiency with ataxia telangiectasia; LOUIS-BAR SYNDROME; ATAXIA-TELANGIECTASIA, FRESNO VARIANT. Identifiers: Orphanet 100, MedGen C0004135, MONDO:0008840, OMIM 208900.

Submission:

Labcorp Genetics (formerly Invitae), Labcorp
Classification: Uncertain significance for Ataxia-telangiectasia syndrome. Last evaluated: 2022-12-15. Review status: criteria provided, single submitter. Criteria: Invitae Variant Classification Sherloc (09022015). Collection method: clinical testing. Allele origin: germline.
Comment: This variant is not present in population databases (gnomAD no frequency). In summary, the available evidence is currently insufficient to determine the role of this variant in disease. Therefore, it has been classified as a Variant of Uncertain Significance. Algorithms developed to predict the effect of sequence changes on RNA splicing suggest that this variant may create or strengthen a splice site. Algorithms developed to predict the effect of missense changes on protein structure and function (SIFT, PolyPhen-2, Align-GVGD) all suggest that this variant is likely to be disruptive. This variant has not been reported in the literature in individuals affected with ATM-related conditions. This sequence change replaces isoleucine, which is neutral and non-polar, with serine, which is neutral and polar, at codon 1559 of the ATM protein (p.Ile1559Ser).